The following is an entry in ClinVar:

ClinVar aggregate classification (germline): Likely benign (0 of 4 stars; one submission).

Conditions:
BBS1-related disorder. Also called: BBS1-related condition.

Allele frequency attached by ClinVar (database versions not stated): gnomAD 0.00001; TOPMed below 0.00001.
gnomAD v4.1: 1 of 1,611,968 alleles (0.000062%); highest among the groups gnomAD compares: Admixed American, 0.0017%; no homozygotes.

Submission:

PreventionGenetics, part of Exact Sciences
Classification: Likely benign for BBS1-related condition. Last evaluated: 2021-06-24. Review status: no assertion criteria provided. Collection method: clinical testing. Allele origin: germline.
Comment: This variant is classified as likely benign based on ACMG/AMP sequence variant interpretation guidelines (Richards et al. 2015 PMID: 25741868, with internal and published modifications).

NM_024649.5(BBS1):c.951+65G>C

Genes: BBS1 (Bardet-Biedl syndrome 1; plus strand), ZDHHC24 (zDHHC palmitoyltransferase 24; minus strand). Cytogenetic location: 11q13.2.
Variant type: single nucleotide variant.
Coding change: c.951+65G>C on transcript NM_024649.5 (MANE Select); 65 bases into the intron after coding-DNA position 951, G replaced by C.
Molecular consequence: intron variant.
Genome position (GRCh38, 1-based): chr11:66,523,641, G>C. VCF-style: chr11-66523641-G-C. GRCh37 (hg19) VCF-style: chr11-66291112-G-C.
Other names: c.*22-2175C>G (NM_001348571.2).
Identifiers: ClinVar variation 3053641 (VCV003053641.2), dbSNP rs1590766937, ClinGen allele CA1979709882.
Genomic context (GRCh38, chr11:66,523,641, plus strand): 5'-AGCCCCCAGCAAGCAGCAGCCCCTCCACGCCTATGTCCCTAGCCCCCACTTGGCAAGAGA[G>C]TCCTCTGGCTTCCCCACCCCAGAAACCGTTCTTTCCACTGTAAGCCCTGAGCCCTCCACA-3'